The following is an entry in ClinVar:

NM_015338.6(ASXL1):c.3595G>A (p.Ala1199Thr)

Gene: ASXL1 (ASXL transcriptional regulator 1; plus strand). Cytogenetic location: 20q11.21.
Variant type: single nucleotide variant.
Coding change: c.3595G>A on transcript NM_015338.6 (MANE Select); coding-DNA position 3595, G replaced by A.
Protein change: p.Ala1199Thr; replaces alanine 1199 with threonine.
Molecular consequence: missense variant.
Genome position (GRCh38, 1-based): chr20:32,436,307, G>A. VCF-style: chr20-32436307-G-A. GRCh37 (hg19) VCF-style: chr20-31024110-G-A.
Other names: c.3412G>A, p.Ala1138Thr (NM_001363734.1); short protein forms A1138T, A1199T.
Identifiers: ClinVar variation 1991094 (VCV001991094.5), dbSNP rs959073235, ClinGen allele CA313926354.
Genomic context (GRCh38, chr20:32,436,307, plus strand): 5'-CCAGATAGCTGTGAAACAGGCACTGGTCTTGCCAGGATTGAGGCCACCCAGGCTCCTGGA[G>A]CACCCCAAAAGAATTGCAAGGCAGTCCCAAGTTTTGACTCCCTCCATCCAGTGACAAATC-3'
Protein context (NP_056153.2, residues 1189-1209): ARIEATQAPG[Ala1199Thr]PQKNCKAVPS

ClinVar aggregate classification (germline): Uncertain significance. Review status: criteria provided, multiple submitters, no conflicts (2 of 4 stars). 2 submissions from 2 submitters: Uncertain significance (2). Last evaluated 2024-12-10.

Conditions:
Inborn genetic diseases. Identifiers: MedGen C0950123, MeSH D030342.

Allele frequency attached by ClinVar (database versions not stated): gnomAD 0.00001; TOPMed 0.00002.
gnomAD v4.1: 1 of 1,614,030 alleles (0.000062%); highest among the groups gnomAD compares: African/African-American, 0.0013%; no homozygotes.

Submissions (2):

Ambry Genetics
Classification: Uncertain significance for Inborn genetic diseases. Last evaluated: 2024-12-10. Review status: criteria provided, single submitter. Criteria: Ambry Variant Classification Scheme 2023. Collection method: clinical testing. Allele origin: germline.
Comment: The p.A1199T variant (also known as c.3595G>A), located in coding exon 13 of the ASXL1 gene, results from a G to A substitution at nucleotide position 3595. The alanine at codon 1199 is replaced by threonine, an amino acid with similar properties. This amino acid position is conserved. In addition, this alteration is predicted to be tolerated by in silico analysis. Based on the available evidence, the clinical significance of this variant remains unclear.

Labcorp Genetics (formerly Invitae), Labcorp
Classification: Uncertain significance. Last evaluated: 2024-11-04. Review status: criteria provided, single submitter. Criteria: Invitae Variant Classification Sherloc (09022015). Collection method: clinical testing. Allele origin: germline.
Comment: This sequence change replaces alanine, which is neutral and non-polar, with threonine, which is neutral and polar, at codon 1199 of the ASXL1 protein (p.Ala1199Thr). This variant is not present in population databases (gnomAD no frequency). This variant has not been reported in the literature in individuals affected with ASXL1-related conditions. ClinVar contains an entry for this variant (Variation ID: 1991094). An algorithm developed to predict the effect of missense changes on protein structure and function outputs the following: PolyPhen-2: "Benign". The threonine amino acid residue is found in multiple mammalian species, which suggests that this missense change does not adversely affect protein function. In summary, the available evidence is currently insufficient to determine the role of this variant in disease. Therefore, it has been classified as a Variant of Uncertain Significance.